The following is an entry in ClinVar:

ClinVar aggregate classification (germline): Benign/Likely benign. Review status: criteria provided, multiple submitters, no conflicts (2 of 4 stars). 2 submissions from 2 submitters: Benign (1); Likely benign (1). Last evaluated 2026-04-01.

Allele frequency attached by ClinVar (database versions not stated): TOPMed 0.00165; ESP Exome Variant Server 0.00170; ExAC 0.00171; 1000 Genomes Project 0.00180; 1000 Genomes Project 30x 0.00187; gnomAD 0.00190.
gnomAD v4.1: 4,328 of 1,611,256 alleles (0.27%); highest among the groups gnomAD compares: Non-Finnish European, 0.32%; 8 homozygotes.

Submissions (2):

CeGaT Center for Human Genetics Tuebingen
Classification: Likely benign. Last evaluated: 2026-04-01. Review status: criteria provided, single submitter. Criteria: CeGaT Center For Human Genetics Tuebingen Variant Classification Criteria Version 2. Collection method: clinical testing. Allele origin: germline. Affected: yes. Observed: 1 variant allele.
Comment: TENM3: BP4, BP7

Labcorp Genetics (formerly Invitae), Labcorp
Classification: Benign. Last evaluated: 2025-04-12. Review status: criteria provided, single submitter. Criteria: Invitae Variant Classification Sherloc (09022015). Collection method: clinical testing. Allele origin: germline.

NM_001080477.4(TENM3):c.1311G>A (p.Pro437=)

Gene: TENM3 (teneurin transmembrane protein 3; plus strand). Cytogenetic location: 4q35.1.
Variant type: single nucleotide variant.
Coding change: c.1311G>A on transcript NM_001080477.4 (MANE Select); coding-DNA position 1311, G replaced by A.
Protein change: p.Pro437=; no amino-acid change (proline 437 retained).
Molecular consequence: synonymous variant.
Genome position (GRCh38, 1-based): chr4:182,673,204, G>A. VCF-style: chr4-182673204-G-A. GRCh37 (hg19) VCF-style: chr4-183594357-G-A.
Other names: c.495G>A, p.Pro165= (NM_001415960.1, NM_001415961.1, NM_001415962.1 and 2 more transcripts); c.1032G>A, p.Pro344= (NM_001415966.1, NM_001415967.1, NM_001415976.1 and 1 more transcripts); c.1311G>A, p.Pro437= (NM_001415968.1, NM_001415969.1, NM_001415970.1 and 4 more transcripts).
Identifiers: ClinVar variation 2754123 (VCV002754123.5), dbSNP rs201014580, ClinGen allele CA3147639.